The following is an entry in ClinVar:

ClinVar aggregate classification (germline): Uncertain significance (1 of 4 stars; one submission).

Allele frequency attached by ClinVar (database versions not stated): gnomAD exomes below 0.00001; ExAC 0.00001.
gnomAD v4.1: 3 of 1,613,926 alleles (0.00019%); highest among the groups gnomAD compares: South Asian, 0.0033%; no homozygotes.

Submission:

Labcorp Genetics (formerly Invitae), Labcorp
Classification: Uncertain significance. Last evaluated: 2025-09-04. Review status: criteria provided, single submitter. Criteria: Invitae Variant Classification Sherloc (09022015). Collection method: clinical testing. Allele origin: germline.
Comment: This sequence change replaces histidine, which is basic and polar, with arginine, which is basic and polar, at codon 36 of the PDGFB protein (p.His36Arg). This variant is present in population databases (rs781635346, gnomAD 0.003%). This variant has not been reported in the literature in individuals affected with PDGFB-related conditions. ClinVar contains an entry for this variant (Variation ID: 2873806). Invitae Evidence Modeling of protein sequence and biophysical properties (such as structural, functional, and spatial information, amino acid conservation, physicochemical variation, residue mobility, and thermodynamic stability) indicates that this missense variant is not expected to disrupt PDGFB protein function with a negative predictive value of 80%. In summary, the available evidence is currently insufficient to determine the role of this variant in disease. Therefore, it has been classified as a Variant of Uncertain Significance.

NM_002608.4(PDGFB):c.107A>G (p.His36Arg)

Gene: PDGFB (platelet derived growth factor subunit B; minus strand). Cytogenetic location: 22q13.1.
Variant type: single nucleotide variant.
Coding change: c.107A>G on transcript NM_002608.4 (MANE Select); coding-DNA position 107, A replaced by G.
Protein change: p.His36Arg; replaces histidine 36 with arginine.
Molecular consequence: missense variant.
Genome position (GRCh38, 1-based): chr22:39,235,831, T>C on the plus strand (A>G on the coding strand, the complement: PDGFB is on the minus strand). VCF-style: chr22-39235831-T-C. GRCh37 (hg19) VCF-style: chr22-39631836-T-C.
Other names: c.62A>G, p.His21Arg (NM_033016.3); short protein forms H36R, H21R.
Identifiers: ClinVar variation 2873806 (VCV002873806.3), dbSNP rs781635346, ClinGen allele CA10240256.
Genomic context (GRCh38, chr22:39,235,831, plus strand): 5'-CATTTACCTCCGGGGTCTCCGTGCAGCAGGCGTTGGAGATCATCAAAGGAGCGGATCGAG[T>C]GGTCACTCAGCATCTCATAAAGCTCCTCGGGAATGGGGTCCCCCTGCCGGGCAGACACCA-3'
Protein context (NP_002599.1, residues 26-46): PEELYEMLSD[His36Arg]SIRSFDDLQR